The following is an entry in ClinVar:

NM_004985.5(KRAS):c.35G>C (p.Gly12Ala)

Gene: KRAS (KRas proto-oncogene, GTPase; minus strand). Cytogenetic location: 12p12.1.
Variant type: single nucleotide variant.
Coding change: c.35G>C on transcript NM_004985.5 (MANE Select); coding-DNA position 35, G replaced by C.
Protein change: p.Gly12Ala; replaces glycine 12 with alanine.
Molecular consequence: missense variant.
Genome position (GRCh38, 1-based): chr12:25,245,350, C>G on the plus strand (G>C on the coding strand, the complement: KRAS is on the minus strand). VCF-style: chr12-25245350-C-G. GRCh37 (hg19) VCF-style: chr12-25398284-C-G.
Other names: c.35G>C, p.Gly12Ala (NM_001369786.1, NM_001369787.1, NM_033360.4); c.35G>C (NM_004985.4); short protein forms G12A.
Identifiers: ClinVar variation 45122 (VCV000045122.20), dbSNP rs121913529, ClinGen allele CA135567.
Genomic context (GRCh38, chr12:25,245,350, plus strand): 5'-TATTCGTCCACAAAATGATTCTGAATTAGCTGTATCGTCAAGGCACTCTTGCCTACGCCA[C>G]CAGCTCCAACTACCACAAGTTTATATTCAGTCATTTTCAGCAGGCCTTATAATAAAAATA-3'
Protein context (NP_004976.2, residues 2-22): TEYKLVVVGA[Gly12Ala]GVGKSALTIQ

ClinVar aggregate classification (germline): Pathogenic/Likely pathogenic. Review status: criteria provided, multiple submitters, no conflicts (2 of 4 stars). 9 submissions from 9 submitters: Pathogenic (2); Likely pathogenic (2). 5 of the submissions do not count toward it. Last evaluated 2025-10-26.
ClinVar aggregate classification (somatic clinical impact): Tier I - Strong. Review status: criteria provided, single submitter (1 of 4 stars). 2 submissions from 1 submitter. Last evaluated 2025-01-16.
ClinVar aggregate classification (oncogenicity): Oncogenic (1 of 4 stars; one submission).

Conditions:
KRAS-related disorder. Also called: KRAS-related condition; KRAS-related disorders.
Gastric cancer. Also called: Stomach cancer; Malignant tumor of stomach. Identifiers: MedGen C0024623, MeSH D013274, MONDO:0001056, OMIM 613659, HP:0012126.
Familial cancer of breast. Also called: BREAST CANCER, FAMILIAL; hereditary breast carcinoma; Hereditary breast cancer. Identifiers: Orphanet 227535, MedGen C0346153, MONDO:0016419, OMIM 114480. Disease mechanism: loss of function.
Linear nevus sebaceous syndrome. Also called: Linear sebaceous nevus sequence; Sebaceous nevus syndrome and hemimegalencephaly; Nevus, Sebaceous of Jadassohn; JADASSOHN NEVUS PHAKOMATOSIS; NEVUS SEBACEUS OF JADASSOHN; ORGANOID NEVUS PHAKOMATOSIS. Identifiers: Orphanet 2612, MedGen C4552097, MONDO:0008097, OMIM 163200, HP:0010817.
Autoimmune lymphoproliferative syndrome type 4. Also called: AUTOIMMUNE LYMPHOPROLIFERATIVE SYNDROME, TYPE IV; RAS-associated autoimmune leukoproliferative disorder. Identifiers: Orphanet 268114, MedGen C2674723, MONDO:0013767, OMIM 614470.
Acute myeloid leukemia (AML). Also called: Acute myeloid leukemia, adult; AML adult; Acute non-lymphocytic leukemia; Acute granulocytic leukemia; Leukemia, acute myeloid, somatic; Leukemia, acute myelogenous, somatic. Identifiers: Orphanet 519, MedGen C0023467, MeSH D015470, MONDO:0018874, OMIM 601626, HP:0004808. Disease mechanism: Constitutively activated FLT3.
Noonan syndrome 3 (NS3). Also called: KRAS-Related Noonan Syndrome. Identifiers: Orphanet 648, MedGen C1860991, MONDO:0012371, OMIM 609942.
Toriello-Lacassie-Droste syndrome. Identifiers: Orphanet 3339, MedGen C1838329, MONDO:0010854, OMIM 600268.
Cerebral arteriovenous malformation (BAVM). Also called: Arteriovenous malformations of the brain; CEREBRAL ARTERIOVENOUS MALFORMATIONS. Identifiers: Orphanet 46724, MedGen C0917804, MONDO:0007154, OMIM 108010, HP:0002408.
Malignant tumor of urinary bladder. Also called: Bladder cancer; Urinary bladder cancer; Urinary Bladder Neoplasms. Identifiers: MedGen C0005684, MONDO:0001187, OMIM 109800.
Cardiofaciocutaneous syndrome 2 (CFC2). Also called: KRAS-Related Cardiofaciocutaneous Syndrome. Identifiers: Orphanet 1340, MedGen C3809005, MONDO:0014112, OMIM 615278.
Lung cancer. Also called: Malignant tumor of lung; Lung cancer, somatic. Identifiers: MedGen C0242379, MONDO:0008903, OMIM 211980.
Familial pancreatic carcinoma. Identifiers: Orphanet 1333, MedGen C2931038, MONDO:0015278, OMIM 260350.
Gallbladder cancer. Identifiers: MedGen C0153452, MONDO:0005411.
Multiple myeloma (MM). Also called: Plasma cell myeloma; Multiple myeloma, somatic. Identifiers: Orphanet 29073, Orphanet 85443, MedGen C0026764, MeSH D009101, MONDO:0009693, OMIM 254500, HP:0006775.
Non-small cell lung carcinoma (NSCLC). Also called: Non-small cell lung cancer. Identifiers: MedGen C0007131, MeSH D002289, MONDO:0005233, HP:0030358. Disease mechanism: Other.
High-grade astrocytoma with piloid features. Identifiers: MedGen C5670122, MONDO:0858958.
Pilocytic astrocytoma. Also called: Pilocytic astrocytoma, somatic. Identifiers: Orphanet 251612, MedGen C0334583, MONDO:0016691, HP:0033680.
Neoplasm. Also called: Neoplasms; Neoplasm (disease); tumor. Identifiers: MedGen C0027651, MeSH D009369, MONDO:0005070, HP:0002664.

gnomAD v4.1: 2 of 1,612,866 alleles (0.00012%); highest among the groups gnomAD compares: Non-Finnish European, 0.00017%; no homozygotes.

Submissions 1 to 6 of 12:

Clinical Genomics Laboratory, Washington University in St. Louis
Classification: Likely pathogenic. Last evaluated: 2025-10-26. Review status: criteria provided, single submitter. Criteria: Leon-Quintero et al. (Clin Genet. 2025). Collection method: clinical testing. Allele origin: somatic.
Comment: A KRAS c.35G>C (p.Gly12Ala) variant was identified at an allelic fraction consistent with somatic origin. This variant has been reported in two individuals affected with vascular anomalies (Hong T at al., PMID: 30544177; Ten Broek RW et al., PMID: 30677207) and in numerous types of malignancies in the cancer database COSMIC. It has been reported in the ClinVar database as a germline pathogenic/ likely pathogenic variant by several submitters. It is observed in 2/1,612,866 alleles in the general population (gnomAD v4.1.0). Computational predictors indicate that the variant is damaging, evidence that correlates with impact to KRAS function. It resides within the phosphate binding region (P-loop), amino acids 10-17, of KRAS that is defined as a critical functional domain (Huang L et al., PMID: 34776511; Jungholm O et al., PMID: 39179604; Vatansever S et al., PMID: 27845397). Other variants in the same codon, p.Gly12Asp, p.Gly12Arg, p.Gly12Cys, p.Gly12Ser, and p.Gly12Val, have been reported in KRAS-related conditions and are considered pathogenic/likely pathogenic (Hernandez PV et al., PMID: 36924216; ClinVar IDs: 45122, 12579, 12578, 177778, 12583). Based on available information and an internally developed protocol informed by the ACMG/AMP guidelines for variant interpretation and gene-specific practices from the ClinGen Criteria Specification Registry (Leon-Quintero FZ et al., PMID: 39434542), the KRAS c.35G>C (p.Gly12Ala) variant is classified as likely pathogenic.

Center for Genomic Medicine, Rigshospitalet, Copenhagen University Hospital
Classification: Oncogenic for Neoplasm. Last evaluated: 2025-03-04. Review status: criteria provided, single submitter. Criteria: ClinGen/CGC/VICC Guidelines for Oncogenicity, 2022. Collection method: clinical testing. Allele origin: somatic. Affected: yes.

Institute for Genomic Medicine (IGM) Clinical Laboratory, Nationwide Children's Hospital
Classification: Tier I - Strong for High-grade astrocytoma with piloid features. Assertion type: diagnostic. Clinical significance: supports diagnosis. Last evaluated: 2025-01-16. Review status: criteria provided, single submitter. Criteria: AMP/ASCO/CAP Guidelines, 2017. Collection method: clinical testing. Allele origin: somatic. Affected: yes.
Comment: Variant has Tier I (strong) clinical significance as a diagnostic inclusion criterion in high-grade astrocytoma with piloid features, based on the following evidence: 1) Documented in one or more cancer databases (e.g., St. Jude Pecan, COSMIC, CIViC, OncoKB). 2) Appears in one or more well-established professional guidelines (e.g., World Health Organization [WHO]; National Comprehensive Cancer Network [NCCN]) as providing diagnostic, prognostic, or therapeutic information. 3) Information in the literature supports potential biologic effect of variant (PMIDs: 26037647, 29199977). 4) Diagnostic for a specific tumor type/classification based on well-powered studies with expert-level consensus (Evidence Level B; PMIDs: 29564591, 36271929).

PreventionGenetics, part of Exact Sciences
Classification: Likely pathogenic for KRAS-related condition. Last evaluated: 2024-10-21. Review status: criteria provided, single submitter. Criteria: ACMG Guidelines, 2015. Collection method: clinical testing. Allele origin: germline.
Comment: The KRAS c.35G>C variant is predicted to result in the amino acid substitution p.Gly12Ala. To our knowledge, this variant has not been reported as a germline variant in individuals with Noonan/RASopathy phenotypes. However, several KRAS missense variants affecting Gly12, including p.Gly12Ala, have been reported as a somatic variant in multiple cancers (see for example - Brose et al. 2002. PubMed ID: 12460918; Lièvre et al. 2006. PubMed ID: 16618717). This variant has not been reported in a large population database, indicating this variant is rare. This variant is interpreted as likely pathogenic.

Institute for Genomic Medicine (IGM) Clinical Laboratory, Nationwide Children's Hospital
Classification: Tier I - Strong for Pilocytic astrocytoma. Assertion type: diagnostic. Clinical significance: supports diagnosis. Last evaluated: 2022-10-18. Review status: criteria provided, single submitter. Criteria: AMP/ASCO/CAP Guidelines, 2017. Collection method: clinical testing. Allele origin: somatic. Affected: yes.
Comment: Variant has Tier I (strong) clinical significance as a diagnostic inclusion criterion in pilocytic astrocytoma, based on the following evidence: 1) Documented in one or more cancer databases (e.g., St. Jude Pecan, COSMIC, CIViC, OncoKB). 2) Appears in one or more well-established professional guidelines (e.g., World Health Organization [WHO]; National Comprehensive Cancer Network [NCCN]) as providing diagnostic, prognostic, or therapeutic information. 3) Information in the literature supports potential biologic effect of variant (PMIDs: 26037647, 29199977). 4) Diagnostic for a specific tumor type/classification based on well-powered studies with expert-level consensus (Evidence Level B; PMIDs: 23817572, 23583981, 16247081, 17712732, 19373855, 21610151).

Blueprint Genetics
Classification: Pathogenic for KRAS-related disorders. Last evaluated: 2022-05-10. Review status: criteria provided, single submitter. Criteria: ACMG Guidelines, 2015. Collection method: clinical testing. Allele origin: germline. Affected: yes. Observed: 2 variant alleles.